The following is an entry in ClinVar:

Conditions:
Breast-ovarian cancer, familial, susceptibility to, 1 (BROVCA1). Also called: BRCA1 Hereditary Breast and Ovarian Cancer; OVARIAN CANCER, SUSCEPTIBILITY TO. Identifiers: Orphanet 145, MedGen C2676676, MONDO:0011450, OMIM 604370. Disease mechanism: loss of function.

Submission:

Brotman Baty Institute, University of Washington
No classification provided (evidence only). Condition: Breast-ovarian cancer, familial 1. Review status: no classification provided. Collection method: in vitro. Allele origin: not applicable. Functional consequence: functionally_normal.
ClinVar note: "not provided" was previously submitted as the classification for the variant. However, the classification appeared to be based only on an observation of functional data so it was converted to no classification on 2025-07-30.

NM_007294.4(BRCA1):c.5194-10T>A

Gene: BRCA1 (BRCA1 DNA repair associated; minus strand). Cytogenetic location: 17q21.31.
Variant type: single nucleotide variant.
Coding change: c.5194-10T>A on transcript NM_007294.4 (MANE Select); 10 bases into the intron before coding-DNA position 5194, T replaced by A.
Molecular consequence: intron variant.
Genome position (GRCh38, 1-based): chr17:43,057,145, A>T on the plus strand (T>A on the coding strand, the complement: BRCA1 is on the minus strand). VCF-style: chr17-43057145-A-T. GRCh37 (hg19) VCF-style: chr17-41209162-A-T.
Other names: c.1741-10T>A (NM_001408458.1, NM_001408461.1, NM_001408464.1 and 7 more transcripts); c.4303-10T>A (NM_001407967.1); c.4813-10T>A (NM_001407959.1); c.4927-10T>A (NM_001407931.1, NM_001407932.1, NM_001407928.1 and 4 more transcripts); c.5050-10T>A (NM_001407747.1, NM_001407745.1, NM_001407737.1 and 21 more transcripts); c.4810-10T>A (NM_001407962.1, NM_001407960.1); c.1381-10T>A (NM_001408512.1); c.1504-10T>A (NM_001408510.1); and 72 more.
Identifiers: ClinVar variation 867496 (VCV000867496.3), dbSNP rs1555576995, ClinGen allele CA916081202.